The following is an entry in ClinVar:

NM_001848.3(COL6A1):c.930+1G>T

Gene: COL6A1 (collagen type VI alpha 1 chain; plus strand). Cytogenetic location: 21q22.3.
Variant type: single nucleotide variant.
Coding change: c.930+1G>T on transcript NM_001848.3 (MANE Select); the canonical splice donor site of the intron after coding-DNA position 930, G replaced by T.
Molecular consequence: splice donor variant.
Genome position (GRCh38, 1-based): chr21:45,989,779, G>T. VCF-style: chr21-45989779-G-T. GRCh37 (hg19) VCF-style: chr21-47409693-G-T.
Identifiers: ClinVar variation 1339158 (VCV001339158.3), dbSNP rs886042902, ClinGen allele CA410522380.

ClinVar aggregate classification (germline): Likely pathogenic (1 of 4 stars; one submission).

Conditions:
Bethlem myopathy 1A. Also called: MYOPATHY, BENIGN CONGENITAL, WITH CONTRACTURES; Bethlem Muscular Dystrophy; Bethlem myopathy 1. Identifiers: Orphanet 610, MedGen CN029274, MONDO:0024530, OMIM 158810.

Submission:

Neuberg Centre For Genomic Medicine, NCGM
Classification: Likely pathogenic for Bethlem myopathy 1A. Last evaluated: 2023-05-20. Review status: criteria provided, single submitter. Criteria: ACMG Guidelines, 2015. Collection method: clinical testing. Allele origin: germline. Inheritance: Autosomal dominant inheritance. Affected: yes.
Comment: The invariant splice donor c.930+1G>T in COL6A1 (NM_001848.3) has not been reported previously as a pathogenic variant nor as a benign variant, to our knowledge. The observed variant is absent in gnomAD exomes database. This variant has been reported to the ClinVar database as Likely Pathogenic. SpliceAI predicts this variant to cause splice donor loss (0.84). Loss of function variants have been previously reported to be disease causing. For these reasons, this variant has been classified as Likely Pathogenic.